The following is an entry in ClinVar:

NM_000271.5(NPC1):c.644A>G (p.His215Arg)

Gene: NPC1 (NPC intracellular cholesterol transporter 1; minus strand). Cytogenetic location: 18q11.2.
Variant type: single nucleotide variant.
Coding change: c.644A>G on transcript NM_000271.5 (MANE Select); coding-DNA position 644, A replaced by G.
Protein change: p.His215Arg; replaces histidine 215 with arginine.
Molecular consequence: missense variant.
Genome position (GRCh38, 1-based): chr18:23,560,468, T>C on the plus strand (A>G on the coding strand, the complement: NPC1 is on the minus strand). VCF-style: chr18-23560468-T-C. GRCh37 (hg19) VCF-style: chr18-21140432-T-C.
Other names: short protein forms H215R.
Identifiers: ClinVar variation 92714 (VCV000092714.36), dbSNP rs1805081, ClinGen allele CA145970.

ClinVar aggregate classification (germline): Benign. Review status: criteria provided, multiple submitters, no conflicts (2 of 4 stars). 16 submissions from 16 submitters: Benign (9). 7 of the submissions do not count toward it. Last evaluated 2026-02-04.

Conditions:
Niemann-Pick disease, type C1. Also called: NIEMANN-PICK DISEASE, VARIANT TYPE C1; NEUROVISCERAL STORAGE DISEASE WITH VERTICAL SUPRANUCLEAR OPHTHALMOPLEGIA; NIEMANN-PICK DISEASE WITH CHOLESTEROL ESTERIFICATION BLOCK; NIEMANN-PICK DISEASE WITHOUT SPHINGOMYELINASE DEFICIENCY; NIEMANN-PICK DISEASE, CHRONIC NEURONOPATHIC FORM. Identifiers: Orphanet 646, MedGen C3179455, MONDO:0009757, OMIM 257220.

Allele frequency attached by ClinVar (database versions not stated): gnomAD 0.29406 and 0.29390; 1000 Genomes Project 30x 0.20940; 1000 Genomes Project 0.21865; gnomAD exomes 0.33068 and 0.38957; TOPMed 0.26936; ESP Exome Variant Server 0.29594; ExAC 0.32873.
gnomAD v4.1: 611,511 of 1,613,400 alleles (38%); highest among the groups gnomAD compares: Non-Finnish European, 42%; 123,029 homozygotes.

Submissions (16):

Labcorp Genetics (formerly Invitae), Labcorp
Classification: Benign for Niemann-Pick disease, type C1. Last evaluated: 2026-02-04. Review status: criteria provided, single submitter. Criteria: Invitae Variant Classification Sherloc (09022015). Collection method: clinical testing. Allele origin: germline.

Blueprint Genetics
Classification: Benign. Last evaluated: 2024-11-28. Review status: criteria provided, single submitter. Criteria: ACMG Guidelines, 2015. Collection method: clinical testing. Allele origin: germline.

Genome-Nilou Lab
Classification: Benign for Niemann-Pick disease, type C1. Last evaluated: 2021-06-10. Review status: criteria provided, single submitter. Criteria: ACMG Guidelines, 2015. Collection method: clinical testing. Allele origin: germline. Affected: no.

Illumina Laboratory Services, Illumina
Classification: Benign for Niemann-Pick disease type C1. Last evaluated: 2018-01-13. Review status: criteria provided, single submitter. Criteria: ICSL Variant Classification Criteria 13 December 2019. Collection method: clinical testing. Allele origin: germline.
Comment: This variant was observed in the ICSL laboratory as part of a predisposition screen in an ostensibly healthy population. It had not been previously curated by ICSL or reported in the Human Gene Mutation Database (HGMD: prior to June 1st, 2018), and was therefore a candidate for classification through an automated scoring system. Utilizing variant allele frequency, disease prevalence and penetrance estimates, and inheritance mode, an automated score was calculated to assess if this variant is too frequent to cause the disease. Based on the score and internal cut-off values, a variant classified as benign is not then subjected to further curation. The score for this variant resulted in a classification of benign for this disease.

Laboratory for Molecular Medicine, Mass General Brigham Personalized Medicine
Classification: Benign. Last evaluated: 2016-03-28. Review status: criteria provided, single submitter. Criteria: LMM Criteria. Collection method: clinical testing. Allele origin: germline.
Comment: Variant identified in a genome or exome case(s) and assessed due to predicted null impact of the variant or pathogenic assertions in the literature or databases. Disclaimer: This variant has not undergone full assessment. The following are preliminary notes: Frequency

Clinical Genetics DNA and cytogenetics Diagnostics Lab, Erasmus MC, Erasmus Medical Center
Classification: Benign for Niemann-Pick disease, type C1. Last evaluated: 2015-09-21. Review status: criteria provided, single submitter. Criteria: ACGS Guidelines, 2013. Collection method: clinical testing. Allele origin: germline. Affected: yes. Study: VKGL Data-share Consensus.

Eurofins Ntd Llc (ga)
Classification: Benign. Last evaluated: 2015-07-24. Review status: criteria provided, single submitter. Criteria: EGL Classification Definitions 2015. Collection method: clinical testing. Allele origin: germline. Observed: 66 variant alleles, 49 heterozygotes, 17 homozygotes.

Breakthrough Genomics
Classification: Benign. Review status: criteria provided, single submitter. Criteria: ACMG Guidelines, 2015. Collection method: not provided. Allele origin: germline. Inheritance: Autosomal recessive inheritance. Affected: yes.

PreventionGenetics, part of Exact Sciences
Classification: Benign. Review status: criteria provided, single submitter. Criteria: ACMG Guidelines, 2015. Collection method: clinical testing. Allele origin: germline.

Natera, Inc.
Classification: Benign for Niemann-Pick disease type C1. Last evaluated: 2020-09-16. Review status: no assertion criteria provided. Collection method: clinical testing. Allele origin: germline. Not counted in ClinVar's aggregate classification.

Genome Diagnostics Laboratory, Amsterdam University Medical Center
Classification: Benign for Niemann-Pick disease, type C1. Last evaluated: 2016-10-05. Review status: no assertion criteria provided. Criteria: ACGS Guidelines, 2013. Collection method: clinical testing. Allele origin: germline. Affected: yes. Study: VKGL Data-share Consensus. Not counted in ClinVar's aggregate classification.

Mayo Clinic Laboratories, Mayo Clinic
Classification: Benign. Last evaluated: 2015-10-21. Review status: no assertion criteria provided. Collection method: clinical testing. Allele origin: unknown. Not counted in ClinVar's aggregate classification.

Clinical Genetics, Academic Medical Center
Classification: Benign. Review status: no assertion criteria provided. Collection method: clinical testing. Allele origin: germline. Affected: yes. Study: VKGL Data-share Consensus. Not counted in ClinVar's aggregate classification.

Diagnostic Laboratory, Department of Genetics, University Medical Center Groningen
Classification: Benign for Niemann-Pick disease, type C1. Review status: no assertion criteria provided. Collection method: clinical testing. Allele origin: germline. Affected: yes. Study: VKGL Data-share Consensus. Not counted in ClinVar's aggregate classification.

Genetic Services Laboratory, University of Chicago
Classification: Likely benign for AllHighlyPenetrant. Review status: no assertion criteria provided. Collection method: clinical testing. Allele origin: germline. Inheritance: Autosomal recessive inheritance. Not counted in ClinVar's aggregate classification.
Comment: Likely benign based on allele frequency in 1000 Genomes Project or ESP global frequency and its presence in a patient with a rare or unrelated disease phenotype. NOT Sanger confirmed.

Joint Genome Diagnostic Labs from Nijmegen and Maastricht, Radboudumc and MUMC+
Classification: Benign. Review status: no assertion criteria provided. Collection method: clinical testing. Allele origin: germline. Affected: yes. Study: VKGL Data-share Consensus. Not counted in ClinVar's aggregate classification.